The following is an entry in ClinVar:

ClinVar aggregate classification (germline): Uncertain significance. Review status: criteria provided, multiple submitters, no conflicts (2 of 4 stars). 3 submissions from 3 submitters: Uncertain significance (3). Last evaluated 2026-08-01.

Conditions:
Inborn genetic diseases. Identifiers: MedGen C0950123, MeSH D030342.

Allele frequency attached by ClinVar (database versions not stated): gnomAD exomes 0.00012 and 0.00030; gnomAD 0.00014 and 0.00015; ExAC 0.00015; TOPMed 0.00016; ESP Exome Variant Server 0.00031.

Submissions (3):

CeGaT Center for Human Genetics Tuebingen
Classification: Uncertain significance. Last evaluated: 2026-08-01. Review status: criteria provided, single submitter. Criteria: CeGaT Center For Human Genetics Tuebingen Variant Classification Criteria Version 2. Collection method: clinical testing. Allele origin: germline. Affected: yes. Observed: 2 variant alleles.
Comment: PTPN23: PM2

Labcorp Genetics (formerly Invitae), Labcorp
Classification: Uncertain significance. Last evaluated: 2023-12-22. Review status: criteria provided, single submitter. Criteria: Invitae Variant Classification Sherloc (09022015). Collection method: clinical testing. Allele origin: germline.
Comment: This sequence change replaces arginine, which is basic and polar, with histidine, which is basic and polar, at codon 299 of the PTPN23 protein (p.Arg299His). This variant is present in population databases (rs201653035, gnomAD 0.02%). This variant has not been reported in the literature in individuals affected with PTPN23-related conditions. ClinVar contains an entry for this variant (Variation ID: 1429649). Experimental studies and prediction algorithms are not available or were not evaluated, and the functional significance of this variant is currently unknown. In summary, the available evidence is currently insufficient to determine the role of this variant in disease. Therefore, it has been classified as a Variant of Uncertain Significance.

Ambry Genetics
Classification: Uncertain significance for Inborn genetic diseases. Last evaluated: 2021-07-14. Review status: criteria provided, single submitter. Criteria: Ambry Variant Classification Scheme 2023. Collection method: clinical testing. Allele origin: germline.

NM_015466.4(PTPN23):c.896G>A (p.Arg299His)

Gene: PTPN23 (protein tyrosine phosphatase non-receptor type 23; plus strand). Cytogenetic location: 3p21.31.
Variant type: single nucleotide variant.
Coding change: c.896G>A on transcript NM_015466.4 (MANE Select); coding-DNA position 896, G replaced by A.
Protein change: p.Arg299His; replaces arginine 299 with histidine.
Molecular consequence: missense variant.
Genome position (GRCh38, 1-based): chr3:47,407,340, G>A. VCF-style: chr3-47407340-G-A. GRCh37 (hg19) VCF-style: chr3-47448830-G-A.
Other names: c.518G>A, p.Arg173His (NM_001304482.2); c.896G>A (NM_015466.2); short protein forms R299H, R173H.
Identifiers: ClinVar variation 1429649 (VCV001429649.9), dbSNP rs201653035, ClinGen allele CA2365548.